The following is an entry in ClinVar:

ClinVar aggregate classification (germline): Uncertain significance. Review status: criteria provided, multiple submitters, no conflicts (2 of 4 stars). 2 submissions from 2 submitters: Uncertain significance (2). Last evaluated 2024-11-06.

Conditions:
TBC1D1-related disorder. Also called: TBC1D1-related condition.

Allele frequency attached by ClinVar (database versions not stated): gnomAD 0.00003; TOPMed 0.00003; ExAC 0.00005; ESP Exome Variant Server 0.00015.
gnomAD v4.1: 92 of 1,613,966 alleles (0.0057%); highest among the groups gnomAD compares: Middle Eastern, 0.099%; no homozygotes.

Submissions (2):

PreventionGenetics, part of Exact Sciences
Classification: Uncertain significance for TBC1D1-related condition. Last evaluated: 2024-11-06. Review status: criteria provided, single submitter. Criteria: ACMG Guidelines, 2015. Collection method: clinical testing. Allele origin: germline.
Comment: The TBC1D1 c.3272G>A variant is predicted to result in the amino acid substitution p.Arg1091His. To our knowledge, this variant has not been reported in the literature in association with kidney disease but has been detected in an individual with obesity (Volckmar et al. 2016. PubMed ID: 26828654). This variant is reported in 0.0085% of alleles in individuals of European (Non-Finnish) descent in gnomAD v2 (as displayed in the table above). However, in gnomAD v4 (available only on GRCh38), this variant is reported in 0.098% of alleles in individuals of Middle Eastern descent, which is likely too common for a highly penetrant pathogenic variant. Although we suspect that this variant may be benign, the clinical significance of this variant is classified as uncertain at this time due to insufficient functional and genetic evidence.

Eurofins Ntd Llc (ga)
Classification: Uncertain significance. Last evaluated: 2018-09-06. Review status: criteria provided, single submitter. Criteria: EGL ClinVar v180209 classification definitions. Collection method: clinical testing. Allele origin: germline. Observed: 1 variant allele, 1 heterozygote.

NM_001396959.1(TBC1D1):c.3554G>A (p.Arg1185His)

Gene: TBC1D1 (TBC1 domain family member 1; plus strand). Cytogenetic location: 4p14.
Variant type: single nucleotide variant.
Coding change: c.3554G>A on transcript NM_001396959.1 (MANE Select); coding-DNA position 3554, G replaced by A.
Protein change: p.Arg1185His; replaces arginine 1185 with histidine.
Molecular consequence: missense variant.
Genome position (GRCh38, 1-based): chr4:38,133,223, G>A. VCF-style: chr4-38133223-G-A. GRCh37 (hg19) VCF-style: chr4-38134844-G-A.
Other names: c.3245G>A, p.Arg1082His (NM_001253912.2); c.563G>A, p.Arg188His (NM_001253913.2, NM_001253914.2); c.308G>A, p.Arg103His (NM_001253915.2); c.3272G>A, p.Arg1091His (NM_015173.4); c.3272G>A (NM_015173.3); short protein forms R1091H, R1082H, R188H, R103H, R1185H.
Identifiers: ClinVar variation 598663 (VCV000598663.8), dbSNP rs376683121, ClinGen allele CA2888335.